The following is an entry in ClinVar:

ClinVar aggregate classification (germline): Likely benign. Review status: criteria provided, multiple submitters, no conflicts (2 of 4 stars). 2 submissions from 2 submitters: Likely benign (2). Last evaluated 2025-03-24.

Conditions:
Dilated cardiomyopathy 1G (CMD1G). Identifiers: Orphanet 154, MedGen C1858763, MONDO:0011400, OMIM 604145.
Autosomal recessive limb-girdle muscular dystrophy type 2J (LGMDR10). Also called: Limb-girdle muscular dystrophy, type 2J; MUSCULAR DYSTROPHY, LIMB-GIRDLE, AUTOSOMAL RECESSIVE 10. Identifiers: Orphanet 140922, MedGen C1837342, MONDO:0012127, OMIM 608807.

Allele frequency attached by ClinVar (database versions not stated): TOPMed below 0.00001; gnomAD exomes 0.00001; ExAC 0.00002; gnomAD 0.00003.
gnomAD v4.1: 6 of 1,613,586 alleles (0.00037%); highest among the groups gnomAD compares: Admixed American, 0.01%; no homozygotes.

Submissions (2):

Labcorp Genetics (formerly Invitae), Labcorp
Classification: Likely benign for Dilated cardiomyopathy 1G; Autosomal recessive limb-girdle muscular dystrophy type 2J. Last evaluated: 2025-03-24. Review status: criteria provided, single submitter. Criteria: Invitae Variant Classification Sherloc (09022015). Collection method: clinical testing. Allele origin: germline.

GeneDx
Classification: Likely benign. Last evaluated: 2017-03-24. Review status: criteria provided, single submitter. Criteria: GeneDx Variant Classification (06012015). Collection method: clinical testing. Allele origin: germline. Affected: yes.
Comment: This variant is considered likely benign or benign based on one or more of the following criteria: it is a conservative change, it occurs at a poorly conserved position in the protein, it is predicted to be benign by multiple in silico algorithms, and/or has population frequency not consistent with disease.

NM_001267550.2(TTN):c.21013T>C (p.Leu7005=)

Genes: TTN (titin; minus strand), LOC126806428 (BRD4-independent group 4 enhancer GRCh37_chr2:179588362-179589561; plus strand). Cytogenetic location: 2q31.2.
Variant type: single nucleotide variant.
Coding change: c.21013T>C on transcript NM_001267550.2 (MANE Select); coding-DNA position 21013, T replaced by C.
Protein change: p.Leu7005=; no amino-acid change (leucine 7005 retained).
Molecular consequence: synonymous variant. On other transcripts: intron variant (3).
Genome position (GRCh38, 1-based): chr2:178,724,362, A>G on the plus strand (T>C on the coding strand, the complement: TTN is on the minus strand). VCF-style: chr2-178724362-A-G. GRCh37 (hg19) VCF-style: chr2-179589089-A-G.
Other names: c.20062T>C, p.Leu6688= (NM_001256850.1); c.17281T>C, p.Leu5761= (NM_133378.4); c.13282+13720T>C (NM_003319.4); c.13858+13720T>C (NM_133437.4); c.13657+13720T>C (NM_133432.3).
Identifiers: ClinVar variation 508494 (VCV000508494.10), dbSNP rs774841915, ClinGen allele CA2001095.